The following is an entry in ClinVar:

ClinVar aggregate classification (germline): Benign (1 of 4 stars; one submission).

Allele frequency attached by ClinVar (database versions not stated): 1000 Genomes Project 0.02776; 1000 Genomes Project 30x 0.02795; TOPMed 0.03330.
gnomAD v4.1: 7,475 of 1,030,620 alleles (0.73%); highest among the groups gnomAD compares: African/African-American, 10%; 328 homozygotes.

Submission:

GeneDx
Classification: Benign. Last evaluated: 2018-06-16. Review status: criteria provided, single submitter. Criteria: GeneDx Variant Classification (06012015). Collection method: clinical testing. Allele origin: germline. Affected: yes.
Comment: This variant is considered likely benign or benign based on one or more of the following criteria: it is a conservative change, it occurs at a poorly conserved position in the protein, it is predicted to be benign by multiple in silico algorithms, and/or has population frequency not consistent with disease.

NM_001105206.3(LAMA4):c.503+93G>T

Gene: LAMA4 (laminin subunit alpha 4; minus strand). Cytogenetic location: 6q21.
Variant type: single nucleotide variant.
Coding change: c.503+93G>T on transcript NM_001105206.3 (MANE Select); 93 bases into the intron after coding-DNA position 503, G replaced by T.
Molecular consequence: intron variant.
Genome position (GRCh38, 1-based): chr6:112,201,515, C>A on the plus strand (G>T on the coding strand, the complement: LAMA4 is on the minus strand). VCF-style: chr6-112201515-C-A. GRCh37 (hg19) VCF-style: chr6-112522716-C-A.
Other names: c.503+93G>T (NM_002290.5, NM_001105207.3).
Identifiers: ClinVar variation 675498 (VCV000675498.1), dbSNP rs9487846, ClinGen allele CA144888963.